The following is an entry in ClinVar:

NM_000121.4(EPOR):c.544G>C (p.Val182Leu)

Gene: EPOR (erythropoietin receptor; minus strand). Cytogenetic location: 19p13.2.
Variant type: single nucleotide variant.
Coding change: c.544G>C on transcript NM_000121.4 (MANE Select); coding-DNA position 544, G replaced by C.
Protein change: p.Val182Leu; replaces valine 182 with leucine.
Molecular consequence: missense variant. On other transcripts: non-coding transcript variant (1).
Genome position (GRCh38, 1-based): chr19:11,381,733, C>G on the plus strand (G>C on the coding strand, the complement: EPOR is on the minus strand). VCF-style: chr19-11381733-C-G. GRCh37 (hg19) VCF-style: chr19-11492409-C-G.
Other names: p.Val182Leu; short protein forms V182L.
Identifiers: ClinVar variation 3380583 (VCV003380583.1).

ClinVar aggregate classification (germline): Uncertain significance (1 of 4 stars; one submission).

gnomAD v4.1: 4 of 1,612,708 alleles (0.00025%); highest among the groups gnomAD compares: Admixed American, 0.005%; no homozygotes.

Submission:

Mayo Clinic Laboratories, Mayo Clinic
Classification: Uncertain significance. Last evaluated: 2024-03-28. Review status: criteria provided, single submitter. Criteria: ACMG Guidelines, 2015. Collection method: clinical testing. Allele origin: germline. Observed: 1 variant allele.
Comment: PM2_moderate